The following is an entry in ClinVar:

NM_001401501.2(MUC16):c.11288C>T (p.Thr3763Met)

Gene: MUC16 (mucin 16, cell surface associated; minus strand). Cytogenetic location: 19p13.2.
Variant type: single nucleotide variant.
Coding change: c.11288C>T on transcript NM_001401501.2 (MANE Select); coding-DNA position 11288, C replaced by T.
Protein change: p.Thr3763Met; replaces threonine 3763 with methionine.
Molecular consequence: missense variant.
Genome position (GRCh38, 1-based): chr19:8,965,602, G>A on the plus strand (C>T on the coding strand, the complement: MUC16 is on the minus strand). VCF-style: chr19-8965602-G-A. GRCh37 (hg19) VCF-style: chr19-9076278-G-A.
Other names: c.11714C>T, p.Thr3905Met (NM_001414686.1); c.11168C>T, p.Thr3723Met (NM_001414687.1, NM_024690.2); short protein forms T3723M, T3763M, T3905M.
Identifiers: ClinVar variation 3060030 (VCV003060030.2), dbSNP rs953551, ClinGen allele CA9171306.

ClinVar aggregate classification (germline): Benign (0 of 4 stars; one submission).

Conditions:
MUC16-related disorder. Also called: MUC16-related condition.

Allele frequency attached by ClinVar (database versions not stated): 1000 Genomes Project 0.25599; 1000 Genomes Project 30x 0.25625; TOPMed 0.27386; gnomAD 0.27605; ESP Exome Variant Server 0.27906.

Submission:

PreventionGenetics, part of Exact Sciences
Classification: Benign for MUC16-related condition. Last evaluated: 2019-10-22. Review status: no assertion criteria provided. Collection method: clinical testing. Allele origin: germline.
Comment: This variant is classified as benign based on ACMG/AMP sequence variant interpretation guidelines (Richards et al. 2015 PMID: 25741868, with internal and published modifications).